The following is an entry in ClinVar:

ClinVar aggregate classification (germline): Likely benign. Review status: criteria provided, single submitter (1 of 4 stars). 2 submissions from 2 submitters: Likely benign (1). 1 of the submissions does not count toward it. Last evaluated 2026-01-11.

Conditions:
LIFR-related disorder. Also called: LIFR-related condition.

Allele frequency attached by ClinVar (database versions not stated): gnomAD 0.00001; gnomAD exomes 0.00001 and 0.00003; ExAC 0.00002; TOPMed 0.00002; ESP Exome Variant Server 0.00015.
gnomAD v4.1: 12 of 1,613,856 alleles (0.00074%); highest among the groups gnomAD compares: African/African-American, 0.0013%; no homozygotes.

Submissions (2):

Labcorp Genetics (formerly Invitae), Labcorp
Classification: Likely benign. Last evaluated: 2026-01-11. Review status: criteria provided, single submitter. Criteria: Invitae Variant Classification Sherloc (09022015). Collection method: clinical testing. Allele origin: germline.

PreventionGenetics, part of Exact Sciences
Classification: Likely benign for LIFR-related condition. Last evaluated: 2019-03-22. Review status: no assertion criteria provided. Collection method: clinical testing. Allele origin: germline. Not counted in ClinVar's aggregate classification.
Comment: This variant is classified as likely benign based on ACMG/AMP sequence variant interpretation guidelines (Richards et al. 2015 PMID: 25741868, with internal and published modifications).

NM_001127671.2(LIFR):c.1716T>C (p.Asn572=)

Gene: LIFR (LIF receptor subunit alpha; minus strand). Cytogenetic location: 5p13.1.
Variant type: single nucleotide variant.
Coding change: c.1716T>C on transcript NM_001127671.2 (MANE Select); coding-DNA position 1716, T replaced by C.
Protein change: p.Asn572=; no amino-acid change (asparagine 572 retained).
Molecular consequence: synonymous variant.
Genome position (GRCh38, 1-based): chr5:38,496,551, A>G on the plus strand (T>C on the coding strand, the complement: LIFR is on the minus strand). VCF-style: chr5-38496551-A-G. GRCh37 (hg19) VCF-style: chr5-38496653-A-G.
Other names: c.1716T>C (NM_002310.5); c.1716T>C, p.Asn572= (NM_001364297.2, NM_001364298.2, NM_002310.6).
Identifiers: ClinVar variation 1113520 (VCV001113520.11), dbSNP rs370702690, ClinGen allele CA3242855.